The following is an entry in ClinVar:

NM_000383.4(AIRE):c.508_517dup (p.Gln173fs)

Gene: AIRE (autoimmune regulator; plus strand). Cytogenetic location: 21q22.3.
Variant type: Duplication.
Coding change: c.508_517dup on transcript NM_000383.4 (MANE Select); coding-DNA positions 508 to 517, 10 bases duplicated (GCAGAGCAGC; older notation c.508_517dupGCAGAGCAGC).
Protein change: p.Gln173fs; shifts the reading frame from glutamine 173.
Molecular consequence: frameshift variant.
Genome position (GRCh38, 1-based): chr21:44,287,561-44,287,570, GCAGAGCAGC duplicated; duplicating any 10 consecutive bases within chr21:44,287,553-44,287,570 gives the same sequence; the c. name uses the placement nearest the transcript's 3' end. VCF-style (leftmost placement, unchanged base first): chr21-44287552-G-GAGAGCAGCGC. GRCh37 (hg19) VCF-style: chr21-45707435-G-GAGAGCAGCGC.
Other names: c.508_517dupGCAGAGCAGC (NM_000383.3); short protein forms Q173fs.
Identifiers: ClinVar variation 1075801 (VCV001075801.8), dbSNP rs1179261094, ClinGen allele CA638115776.

ClinVar aggregate classification (germline): Pathogenic/Likely pathogenic. Review status: criteria provided, multiple submitters, no conflicts (2 of 4 stars). 2 submissions from 2 submitters: Pathogenic (1); Likely pathogenic (1). Last evaluated 2025-01-04.

Conditions:
Polyglandular autoimmune syndrome, type 1 (APS1). Also called: Autoimmune polyendocrine syndrome type 1; Autoimmune polyendocrinopathy syndrome, type I; Autoimmune polyendocrinopathy syndrome , type I, with or without reversible metaphyseal dysplasia; PGA I; AUTOIMMUNE POLYENDOCRINE SYNDROME, TYPE I, WITH OR WITHOUT REVERSIBLE METAPHYSEAL DYSPLASIA; HYPOADRENOCORTICISM WITH HYPOPARATHYROIDISM AND SUPERFICIAL MONILIASIS. Identifiers: Orphanet 3453, MedGen C0085859, MONDO:0009411, OMIM 240300.

Submissions (2):

Natera, Inc.
Classification: Likely pathogenic for Polyglandular autoimmune syndrome type 1. Last evaluated: 2025-01-04. Review status: criteria provided, single submitter. Criteria: Natera Variant Classification Schema (03/2026). Collection method: clinical testing. Allele origin: germline.
Comment: The c.508_517dupGCAGAGCAGC variant in AIRE is a frameshift variant predicted to shift the reading frame beginning at codon 173 and leads to a stop codon 47 codons downstream. This variant is expected to result in nonsense mediated decay, truncation, or a dysfunctional protein product. This variant is rare in the general population with a frequency below the threshold expected for the associated phenotype(s). Given the available evidence, this variant is classified as Likely Pathogenic.

Labcorp Genetics (formerly Invitae), Labcorp
Classification: Pathogenic for Polyglandular autoimmune syndrome, type 1. Last evaluated: 2021-10-29. Review status: criteria provided, single submitter. Criteria: Invitae Variant Classification Sherloc (09022015). Collection method: clinical testing. Allele origin: germline.
Comment: For these reasons, this variant has been classified as Pathogenic. ClinVar contains an entry for this variant (Variation ID: 1075801). This variant has not been reported in the literature in individuals affected with AIRE-related conditions. This variant is present in population databases (no rsID available, gnomAD 0.007%). This sequence change creates a premature translational stop signal (p.Gln173Argfs*47) in the AIRE gene. It is expected to result in an absent or disrupted protein product. Loss-of-function variants in AIRE are known to be pathogenic (PMID: 11524731, 26141571).

Literature cited by the submitters: PubMed 11524731 (cited by Labcorp Genetics (formerly Invitae), Labcorp); PubMed 26141571 (cited by Labcorp Genetics (formerly Invitae), Labcorp).